The following is an entry in ClinVar:

NM_015404.4(WHRN):c.1416+151A>G

Gene: WHRN (whirlin; minus strand). Cytogenetic location: 9q32.
Variant type: single nucleotide variant.
Coding change: c.1416+151A>G on transcript NM_015404.4 (MANE Select); 151 bases into the intron after coding-DNA position 1416, A replaced by G.
Molecular consequence: intron variant.
Genome position (GRCh38, 1-based): chr9:114,424,183, T>C on the plus strand (A>G on the coding strand, the complement: WHRN is on the minus strand). VCF-style: chr9-114424183-T-C. GRCh37 (hg19) VCF-style: chr9-117186463-T-C.
Other names: c.1416+151A>G (NM_001173425.2); c.267+151A>G (NM_001083885.3); c.363+151A>G (NM_001346890.1).
Identifiers: ClinVar variation 678808 (VCV000678808.1), dbSNP rs4979385, ClinGen allele CA13074129.

ClinVar aggregate classification (germline): Benign (1 of 4 stars; one submission).

Allele frequency attached by ClinVar (database versions not stated): gnomAD exomes 0.39235; gnomAD 0.44322 and 0.44586; TOPMed 0.45856; 1000 Genomes Project 0.46026; 1000 Genomes Project 30x 0.46752.
gnomAD v4.1: 350,499 of 873,868 alleles (40%); highest among the groups gnomAD compares: Admixed American, 57%; 73,358 homozygotes.

Submission:

GeneDx
Classification: Benign. Last evaluated: 2018-06-14. Review status: criteria provided, single submitter. Criteria: GeneDx Variant Classification (06012015). Collection method: clinical testing. Allele origin: germline. Affected: yes.
Comment: This variant is considered likely benign or benign based on one or more of the following criteria: it is a conservative change, it occurs at a poorly conserved position in the protein, it is predicted to be benign by multiple in silico algorithms, and/or has population frequency not consistent with disease.